The following is an entry in ClinVar:

ClinVar aggregate classification (germline): Uncertain significance. Review status: criteria provided, multiple submitters, no conflicts (2 of 4 stars). 2 submissions from 2 submitters: Uncertain significance (2). Last evaluated 2023-03-16.

Conditions:
Hereditary cancer-predisposing syndrome. Also called: Hereditary neoplastic syndrome; Neoplastic Syndromes, Hereditary; Tumor predisposition; Hereditary Cancer Syndrome. Identifiers: Orphanet 140162, MedGen C0027672, MeSH D009386, MONDO:0015356.
Multiple endocrine neoplasia type 4. Also called: MULTIPLE ENDOCRINE NEOPLASIA, TYPE IV. Identifiers: Orphanet 276152, MedGen C1970712, MONDO:0012552, OMIM 610755.

Submissions (2):

Labcorp Genetics (formerly Invitae), Labcorp
Classification: Uncertain significance for Multiple endocrine neoplasia type 4. Last evaluated: 2023-03-16. Review status: criteria provided, single submitter. Criteria: Invitae Variant Classification Sherloc (09022015). Collection method: clinical testing. Allele origin: germline.
Comment: This sequence change replaces arginine, which is basic and polar, with glycine, which is neutral and non-polar, at codon 19 of the CDKN1B protein (p.Arg19Gly). This variant is not present in population databases (gnomAD no frequency). This variant has not been reported in the literature in individuals affected with CDKN1B-related conditions. ClinVar contains an entry for this variant (Variation ID: 485507). An algorithm developed to predict the effect of missense changes on protein structure and function (PolyPhen-2) suggests that this variant is likely to be tolerated. In summary, the available evidence is currently insufficient to determine the role of this variant in disease. Therefore, it has been classified as a Variant of Uncertain Significance.

Ambry Genetics
Classification: Uncertain significance for Hereditary cancer-predisposing syndrome. Last evaluated: 2017-05-16. Review status: criteria provided, single submitter. Criteria: Ambry Variant Classification Scheme 2023. Collection method: clinical testing. Allele origin: germline.
Comment: The p.R19G variant (also known as c.55A>G), located in coding exon 1 of the CDKN1B gene, results from an A to G substitution at nucleotide position 55. The arginine at codon 19 is replaced by glycine, an amino acid with dissimilar properties. This amino acid position is highly conserved in available vertebrate species. In addition, this alteration is predicted to be deleterious by in silico analysis. Since supporting evidence is limited at this time, the clinical significance of this alteration remains unclear.

NM_004064.5(CDKN1B):c.55A>G (p.Arg19Gly)

Gene: CDKN1B (cyclin dependent kinase inhibitor 1B; plus strand). Cytogenetic location: 12p13.1.
Variant type: single nucleotide variant.
Coding change: c.55A>G on transcript NM_004064.5 (MANE Select); coding-DNA position 55, A replaced by G.
Protein change: p.Arg19Gly; replaces arginine 19 with glycine.
Molecular consequence: missense variant.
Genome position (GRCh38, 1-based): chr12:12,717,894, A>G. VCF-style: chr12-12717894-A-G. GRCh37 (hg19) VCF-style: chr12-12870828-A-G.
Other names: short protein forms R19G.
Identifiers: ClinVar variation 485507 (VCV000485507.8), dbSNP rs1555085496, ClinGen allele CA383968202.